The following is an entry in ClinVar:

ClinVar aggregate classification (germline): Pathogenic (0 of 4 stars; one submission).

Conditions:
Autosomal recessive limb-girdle muscular dystrophy type 2R1 (LGMDR21). Also called: Muscular dystrophy, limb-girdle, type 2z; Autosomal recessive limb-girdle muscular dystrophy type 2Z. Identifiers: Orphanet 480682, MedGen C4310660, MONDO:0014977, OMIM 617232.

gnomAD v4.1: 1 of 1,613,124 alleles (0.000062%); highest among the groups gnomAD compares: Non-Finnish European, 0.000085%; no homozygotes.

Submission:

Neurologia 4 - Neuroimmunologia E Malattie Neuromuscolari, Fondazione Irccs Istituto Neurologico Nazionale C.besta
Classification: Pathogenic for Autosomal recessive limb-girdle muscular dystrophy type 2R1. Last evaluated: 2026-07-27. Review status: no assertion criteria provided. Collection method: clinical testing. Allele origin: inherited. Inheritance: Autosomal recessive inheritance. Affected: yes. Observed: 3 variant alleles, 3 homozygotes.
Comment: This novel POGLUT1 variant, NM_152305.3:c.500G>C, was identified in three affected individuals (from two different families) presenting with clinical, radiological, histopathological and genetic features consistent with LGMDR21. The variant is absent from population databases. Functional studies performed on patient muscle tissue demonstrated reduced POGLUT1 protein expression and impaired α-dystroglycan glycosylation, supporting a deleterious effect on protein function. Segregation analysis and the consistent phenotype further support pathogenicity. According to ACMG/AMP guidelines, this variant is classified as pathogenic (PS3, PM2, PP1, PP4).

NM_152305.3(POGLUT1):c.500G>C (p.Trp167Ser)

Gene: POGLUT1 (protein O-glucosyltransferase 1; plus strand). Cytogenetic location: 3q13.33.
Variant type: single nucleotide variant.
Coding change: c.500G>C on transcript NM_152305.3 (MANE Select); coding-DNA position 500, G replaced by C.
Protein change: p.Trp167Ser; replaces tryptophan 167 with serine.
Molecular consequence: missense variant. On other transcripts: non-coding transcript variant (1).
Genome position (GRCh38, 1-based): chr3:119,480,094, G>C. VCF-style: chr3-119480094-G-C. GRCh37 (hg19) VCF-style: chr3-119198941-G-C.
Other names: short protein forms W167S.
Identifiers: ClinVar variation 4880273 (VCV004880273.1).
Genomic context (GRCh38, chr3:119,480,094, plus strand): 5'-GTCTGTTTTTGTTGAAGACATCAGAGTACCATGATATCATGTATCCTGCTTGGACATTTT[G>C]GGAAGGGGGACCTGCTGTTTGGCCAATTTATCCTACAGGTCTTGGACGGTGGGACCTCTT-3'
Protein context (NP_689518.1, residues 157-177): HDIMYPAWTF[Trp167Ser]EGGPAVWPIY